The following is an entry in ClinVar:

ClinVar aggregate classification (germline): Pathogenic (1 of 4 stars; one submission).

Conditions:
Telangiectasia, hereditary hemorrhagic, type 2 (HHT2). Also called: ACVRL1-Related Hereditary Hemorrhagic Telangiectasia; Telangiectasia, hereditary hemorrhagic, type II. Identifiers: Orphanet 774, MedGen C1838163, MONDO:0010880, OMIM 600376. Disease mechanism: loss of function.

Submission:

Labcorp Genetics (formerly Invitae), Labcorp
Classification: Pathogenic for Telangiectasia, hereditary hemorrhagic, type 2. Last evaluated: 2020-09-18. Review status: criteria provided, single submitter. Criteria: Invitae Variant Classification Sherloc (09022015). Collection method: clinical testing. Allele origin: unknown.
Comment: For these reasons, this variant has been classified as Pathogenic. Loss-of-function variants in ACVRL1 are known to be pathogenic (PMID: 15879500). This variant has not been reported in the literature in individuals with ACVRL1-related conditions. This variant is a gross deletion of the genomic region encompassing exon(s) 2 and part of exon 3 (c.-4098_120delinsCCGATTA) of the ACVRL1 gene, which includes the initiator codon. The 5' end of this event is unknown as it extends beyond the assayed region for this gene and therefore may encompass additional genes. The 3' boundary is confined to exon 3 of the ACVRL1 gene. This is expected to result in an absent or disrupted protein product.

Literature cited by the submitters: PubMed 15879500.

NC_000012.11:g.(?_52297387)_(52306941_?)del

Gene: ACVRL1 (activin A receptor like type 1; plus strand). Cytogenetic location: 12q13.13.
Variant type: Deletion.
Identifiers: ClinVar variation 3244308 (VCV003244308.1).